The following is an entry in ClinVar:

NM_001447.3(FAT2):c.12662G>C (p.Gly4221Ala)

Genes: FAT2 (FAT atypical cadherin 2; minus strand), SLC36A1 (solute carrier family 36 member 1; plus strand). Cytogenetic location: 5q33.1.
Variant type: single nucleotide variant.
Coding change: c.12662G>C on transcript NM_001447.3 (MANE Select); coding-DNA position 12662, G replaced by C.
Protein change: p.Gly4221Ala; replaces glycine 4221 with alanine.
Molecular consequence: missense variant.
Genome position (GRCh38, 1-based): chr5:151,505,953, C>G on the plus strand (G>C on the coding strand, the complement: FAT2 is on the minus strand). VCF-style: chr5-151505953-C-G. GRCh37 (hg19) VCF-style: chr5-150885514-C-G.
Other names: short protein forms G4221A.
Identifiers: ClinVar variation 1911179 (VCV001911179.5), dbSNP rs1370186171, ClinGen allele CA361816324.

ClinVar aggregate classification (germline): Uncertain significance (1 of 4 stars; one submission).

Allele frequency attached by ClinVar (database versions not stated): gnomAD 0.00001.
gnomAD v4.1: 2 of 1,575,930 alleles (0.00013%); highest among the groups gnomAD compares: Admixed American, 0.0039%; no homozygotes.

Submission:

Labcorp Genetics (formerly Invitae), Labcorp
Classification: Uncertain significance. Last evaluated: 2022-08-24. Review status: criteria provided, single submitter. Criteria: Invitae Variant Classification Sherloc (09022015). Collection method: clinical testing. Allele origin: germline.
Comment: In summary, the available evidence is currently insufficient to determine the role of this variant in disease. Therefore, it has been classified as a Variant of Uncertain Significance. This sequence change replaces glycine, which is neutral and non-polar, with alanine, which is neutral and non-polar, at codon 4221 of the FAT2 protein (p.Gly4221Ala). This variant is present in population databases (no rsID available, gnomAD 0.008%). This variant has not been reported in the literature in individuals affected with FAT2-related conditions. Algorithms developed to predict the effect of missense changes on protein structure and function output the following: SIFT: "Tolerated"; PolyPhen-2: "Benign"; Align-GVGD: "Class C0". The alanine amino acid residue is found in multiple mammalian species, which suggests that this missense change does not adversely affect protein function.